The following is an entry in ClinVar:

ClinVar aggregate classification (germline): Likely pathogenic (1 of 4 stars; one submission).

Conditions:
Cardiovascular phenotype. Identifiers: MedGen CN230736.

Submission:

Ambry Genetics
Classification: Likely pathogenic for Cardiovascular phenotype. Last evaluated: 2018-02-05. Review status: criteria provided, single submitter. Criteria: Ambry Variant Classification Scheme 2023. Collection method: clinical testing. Allele origin: germline.
Comment: The c.35432delT variant, located in coding exon 131 of the TTN gene, results from a deletion of one nucleotide at nucleotide position 35432, causing a translational frameshift with a predicted alternate stop codon (p.V11811Gfs*26). This exon is located in the A-band region of the N2-B isoform of the titin protein and is constitutively expressed in TTN transcripts (percent spliced in or PSI 100%). While truncating variants in TTN are present in 1-3% of the general population, truncating variants in the A-band are the most common cause of dilated cardiomyopathy (DCM) (Herman DS et al. N. Engl. J. Med. 2012 Feb;366:619-28; Roberts AM et al. Sci Transl Med. 2015 Jan;7:270ra6). TTN truncating variants encoded in constitutive exons (PSI >90%) have been found to be significantly associated with DCM regardless of their position in titin (Schafer S et al. Nat. Genet. 2017 Jan;49:46-53). This alteration is expected to result in loss of function by premature protein truncation or nonsense-mediated mRNA decay. As such, this alteration is classified as likely pathogenic.

NM_001267550.2(TTN):c.62627del (p.Val20876fs)

Genes: TTN (titin; minus strand), TTN-AS1 (TTN antisense RNA 1; plus strand). Cytogenetic location: 2q31.2.
Variant type: Deletion.
Coding change: c.62627del on transcript NM_001267550.2 (MANE Select); coding-DNA position 62627, one base deleted (T; older notation c.62627delT).
Protein change: p.Val20876fs; shifts the reading frame from valine 20876.
Molecular consequence: frameshift variant.
Genome position (GRCh38, 1-based): chr2:178,589,098, A deleted on the plus strand (T on the coding strand, the reverse complement: TTN is on the minus strand). VCF-style (leftmost placement, unchanged base first): chr2-178589097-CA-C. GRCh37 (hg19) VCF-style: chr2-179453824-CA-C.
Other names: c.57704del, p.Val19235fs (NM_001256850.1); c.35432del, p.Val11811fs (NM_003319.4); c.54923del, p.Val18308fs (NM_133378.4); c.35807del, p.Val11936fs (NM_133432.3); c.36008del, p.Val12003fs (NM_133437.4); c.35432delT (NM_003319.4); short protein forms V11811fs, V18308fs, V19235fs, V20876fs, V11936fs, V12003fs.
Identifiers: ClinVar variation 518958 (VCV000518958.5), dbSNP rs1553640190, ClinGen allele CA658796040.
Genomic context (GRCh38, chr2:178,589,097, plus strand): 5'-GATTTCACAGCCACCATCATCTTCTGGTGGATCCCAGCAAACAGTACACCTATCACTGGA[CA>C]CATCAACAATTTTCAGATTTCTCACAGGACCAGGCTTATCTAAAACATTGACAGTGGCAT-3'